The following is an entry in ClinVar:

NM_033026.6(PCLO):c.10015G>A (p.Gly3339Ser)

Gene: PCLO (piccolo presynaptic cytomatrix protein; minus strand). Cytogenetic location: 7q21.11.
Variant type: single nucleotide variant.
Coding change: c.10015G>A on transcript NM_033026.6 (MANE Select); coding-DNA position 10015, G replaced by A.
Protein change: p.Gly3339Ser; replaces glycine 3339 with serine.
Molecular consequence: missense variant.
Genome position (GRCh38, 1-based): chr7:82,950,573, C>T on the plus strand (G>A on the coding strand, the complement: PCLO is on the minus strand). VCF-style: chr7-82950573-C-T. GRCh37 (hg19) VCF-style: chr7-82579889-C-T.
Other names: c.10015G>A, p.Gly3339Ser (NM_014510.3); short protein forms G3339S.
Identifiers: ClinVar variation 2131649 (VCV002131649.4), dbSNP rs756504811, ClinGen allele CA367905870.

ClinVar aggregate classification (germline): Uncertain significance (1 of 4 stars; one submission).

Allele frequency attached by ClinVar (database versions not stated): gnomAD 0.00001; TOPMed 0.00001.
gnomAD v4.1: 1 of 1,613,718 alleles (0.000062%); highest among the groups gnomAD compares: African/African-American, 0.0013%; no homozygotes.

Submission:

Labcorp Genetics (formerly Invitae), Labcorp
Classification: Uncertain significance. Last evaluated: 2022-05-13. Review status: criteria provided, single submitter. Criteria: Invitae Variant Classification Sherloc (09022015). Collection method: clinical testing. Allele origin: germline.
Comment: In summary, the available evidence is currently insufficient to determine the role of this variant in disease. Therefore, it has been classified as a Variant of Uncertain Significance. This variant has not been reported in the literature in individuals affected with PCLO-related conditions. This variant is not present in population databases (gnomAD no frequency). This sequence change replaces glycine, which is neutral and non-polar, with serine, which is neutral and polar, at codon 3339 of the PCLO protein (p.Gly3339Ser). Algorithms developed to predict the effect of missense changes on protein structure and function are either unavailable or do not agree on the potential impact of this missense change (SIFT: "Deleterious"; PolyPhen-2: "Not Available"; Align-GVGD: "Class C0").